The following is an entry in ClinVar:

NM_181486.4(TBX5):c.100dup (p.Ala34fs)

Gene: TBX5 (T-box transcription factor 5; minus strand). Cytogenetic location: 12q24.21.
Variant type: Duplication.
Coding change: c.100dup on transcript NM_181486.4 (MANE Select); coding-DNA position 100, one base duplicated (G; older notation c.100dupG).
Protein change: p.Ala34fs; shifts the reading frame from alanine 34.
Molecular consequence: frameshift variant. On other transcripts: intron variant (1).
Genome position (GRCh38, 1-based): chr12:114,403,799, C duplicated on the plus strand (G on the coding strand, the reverse complement: TBX5 is on the minus strand); the first of 4 consecutive C bases (chr12:114,403,799-114,403,802); duplicating any one gives the same sequence. VCF-style (leftmost placement, unchanged base first): chr12-114403798-G-GC. GRCh37 (hg19) VCF-style: chr12-114841603-G-GC.
Other names: c.100dup, p.Ala34fs (NM_000192.3); c.-3-1879dup (NM_080717.4); short protein forms A34fs.
Identifiers: ClinVar variation 2735980 (VCV002735980.3), dbSNP rs2540477662, ClinGen allele CA2581463469.

ClinVar aggregate classification (germline): Pathogenic (1 of 4 stars; one submission).

Conditions:
Aortic valve disease 2 (AOVD2). Identifiers: MedGen C3542024, MONDO:0013902, OMIM 614823.

Submission:

Labcorp Genetics (formerly Invitae), Labcorp
Classification: Pathogenic for Aortic valve disease 2. Last evaluated: 2023-01-21. Review status: criteria provided, single submitter. Criteria: Invitae Variant Classification Sherloc (09022015). Collection method: clinical testing. Allele origin: germline.
Comment: For these reasons, this variant has been classified as Pathogenic. This variant is also known as 100-101insG, p.G33fs. This premature translational stop signal has been observed in individuals with Holt-Oram syndrome (PMID: 12789647, 16917909). It has also been observed to segregate with disease in related individuals. This variant is not present in population databases (gnomAD no frequency). This sequence change creates a premature translational stop signal (p.Ala34Glyfs*27) in the TBX5 gene. It is expected to result in an absent or disrupted protein product. Loss-of-function variants in TBX5 are known to be pathogenic (PMID: 16183809, 16917909).

Literature cited by the submitters: PubMed 12789647; PubMed 16917909; PubMed 16183809.